The following is an entry in ClinVar:

ClinVar aggregate classification (germline): Pathogenic. Review status: criteria provided, multiple submitters, no conflicts (2 of 4 stars). 10 submissions from 10 submitters: Pathogenic (9). 1 of the submissions does not count toward it. Last evaluated 2026-01-23.

Conditions:
GALT-related disorder. Also called: GALT-related condition.
Galactosemia. Also called: Galactose intolerance. Identifiers: Orphanet 352, MedGen C0016952, MONDO:0018116, HP:0004919. Disease mechanism: loss of function.
Deficiency of UDPglucose-hexose-1-phosphate uridylyltransferase. Also called: GALACTOSE-1-PHOSPHATE URIDYLYLTRANSFERASE DEFICIENCY; GALT deficiency; Galactosemia, classic; Transferase Deficiency Galactosemia; GALACTOSEMIA I. Identifiers: Orphanet 352, Orphanet 79239, MedGen C0268151, MONDO:0009258, OMIM 230400.

Allele frequency attached by ClinVar (database versions not stated): gnomAD 0.00001; gnomAD exomes 0.00001 and 0.00002; ExAC 0.00002.
gnomAD v4.1: 36 of 1,614,046 alleles (0.0022%); highest among the groups gnomAD compares: Non-Finnish European, 0.003%; no homozygotes.

Submissions (10):

Natera, Inc.
Classification: Pathogenic for Galactosemia. Last evaluated: 2026-01-23. Review status: criteria provided, single submitter. Criteria: Natera Variant Classification Schema (03/2026). Collection method: clinical testing. Allele origin: germline.
Comment: The c.610C>T variant in GALT is a nonsense variant predicted to introduce a stop codon at amino acid 204. This variant is expected to result in nonsense mediated decay, truncation, or a dysfunctional protein product. This variant is rare in the general population with a frequency below the threshold expected for the associated phenotype(s). This variant has been observed in one or more individuals affected with the associated recessive disease, as either homozygous or compound heterozygous with a second variant (PMID: 22944367, 23749220). Given the available evidence, this variant is classified as Pathogenic.

Labcorp Genetics (formerly Invitae), Labcorp
Classification: Pathogenic for Deficiency of UDPglucose-hexose-1-phosphate uridylyltransferase. Last evaluated: 2025-12-30. Review status: criteria provided, single submitter. Criteria: Invitae Variant Classification Sherloc (09022015). Collection method: clinical testing. Allele origin: germline.
Comment: This sequence change creates a premature translational stop signal (p.Arg204*) in the GALT gene. It is expected to result in an absent or disrupted protein product. Loss-of-function variants in GALT are known to be pathogenic (PMID: 22944367). This variant is present in population databases (rs111033737, gnomAD 0.003%). This premature translational stop signal has been observed in individuals with galactosemia (PMID: 12595586, 17041746, 18210213, 19224951, 19375122, 20213376, 22944367). ClinVar contains an entry for this variant (Variation ID: 25228). For these reasons, this variant has been classified as Pathogenic.

Laboratorio de Genetica e Diagnostico Molecular, Hospital Israelita Albert Einstein
Classification: Pathogenic for Deficiency of UDPglucose-hexose-1-phosphate uridylyltransferase. Last evaluated: 2024-02-26. Review status: criteria provided, single submitter. Criteria: ACMG Guidelines, 2015. Collection method: clinical testing. Allele origin: germline. Affected: yes.
Comment: ACMG classification criteria: PVS1 very strong, PS3 supporting, PM2 supporting, PM3 moderate

Baylor Genetics
Classification: Pathogenic for Deficiency of UDPglucose-hexose-1-phosphate uridylyltransferase. Last evaluated: 2024-02-01. Review status: criteria provided, single submitter. Criteria: ACMG Guidelines, 2015. Collection method: clinical testing. Allele origin: unknown.

Mayo Clinic Laboratories, Mayo Clinic
Classification: Pathogenic. Last evaluated: 2024-02-01. Review status: criteria provided, single submitter. Criteria: ACMG Guidelines, 2015. Collection method: clinical testing. Allele origin: germline. Observed: 1 variant allele.
Comment: PM2_moderate, PS3, PVS1

GeneDx
Classification: Pathogenic. Last evaluated: 2023-12-05. Review status: criteria provided, single submitter. Criteria: GeneDx Variant Classification Process June 2021. Collection method: clinical testing. Allele origin: germline. Affected: yes.
Comment: Published functional studies demonstrated severe compromise of expression and function of the GALT enzyme (PMID: 18210213); Nonsense variant predicted to result in protein truncation or nonsense mediated decay in a gene for which loss-of-function is a known mechanism of disease; Not observed at significant frequency in large population cohorts (gnomAD); This variant is associated with the following publications: (PMID: 25525159, 31589614, 32574564, 10408771, 19224951, 19375122, 18210213, 12595586, 17041746, 22944367, 20213376)

Women's Health and Genetics/Laboratory Corporation of America, LabCorp
Classification: Pathogenic for Deficiency of UDPglucose-hexose-1-phosphate uridylyltransferase. Last evaluated: 2020-08-20. Review status: criteria provided, single submitter. Criteria: LabCorp Variant Classification Summary - May 2015. Collection method: clinical testing. Allele origin: germline.
Comment: Variant summary: GALT c.610C>T (p.Arg204X) results in a premature termination codon, predicted to cause a truncation of the encoded protein or absence of the protein due to nonsense mediated decay, which are commonly known mechanisms for disease. Truncations downstream of this position have been classified as pathogenic by our laboratory. The variant allele was found at a frequency of 1.2e-05 in 251502 control chromosomes (gnomAD and publication data). c.610C>T has been reported in the literature in multiple individuals affected with Galactosemia (Tyfield_1999, Webb_2003, Gort_2006, Chhay_2008, Carney_2009). These data indicate that the variant is very likely to be associated with disease. At least one publication reports experimental evidence evaluating an impact on protein function. The most pronounced variant effect results in <10% of normal GLAT activity (Chhay_2008). One ClinVar submitter (evaluation after 2014) cites the variant as pathogenic. Based on the evidence outlined above, the variant was classified as pathogenic.

Blueprint Genetics
Classification: Pathogenic for GALT-related disorders. Last evaluated: 2018-07-23. Review status: criteria provided, single submitter. Criteria: ACMG Guidelines, 2015. Collection method: clinical testing. Allele origin: germline. Affected: yes. Observed: 1 variant allele.

Eurofins Ntd Llc (ga)
Classification: Pathogenic. Last evaluated: 2014-04-23. Review status: criteria provided, single submitter. Criteria: EGL Classification Definitions 2015. Collection method: clinical testing. Allele origin: germline. Observed: 6 variant alleles, 6 heterozygotes.

Counsyl
Classification: Likely pathogenic for Deficiency of UDPglucose-hexose-1-phosphate uridylyltransferase. Last evaluated: 2014-09-03. Review status: no assertion criteria provided. Collection method: literature only. Allele origin: unknown. Inheritance: Autosomal recessive inheritance. Not counted in ClinVar's aggregate classification.

Literature cited by the submitters: PubMed 22944367 (cited by 4 submitters); PubMed 23749220 (cited by Natera, Inc.); PubMed 12595586 (cited by 4 submitters); PubMed 17041746 (cited by 4 submitters); PubMed 18210213 (cited by 4 submitters); PubMed 19224951 (cited by 4 submitters); PubMed 19375122 (cited by 3 submitters); PubMed 20213376 (cited by Labcorp Genetics (formerly Invitae), Labcorp and Counsyl); PubMed 10408771 (cited by 3 submitters); PubMed 10649501 (cited by 3 submitters); PubMed 11216901 (cited by Mayo Clinic Laboratories, Mayo Clinic and Women's Health and Genetics/Laboratory Corporation of America, LabCorp); PubMed 27176039 (cited by Mayo Clinic Laboratories, Mayo Clinic); PubMed 11754113 (cited by Women's Health and Genetics/Laboratory Corporation of America, LabCorp and Counsyl).

NM_000155.4(GALT):c.610C>T (p.Arg204Ter)

Gene: GALT (galactose-1-phosphate uridylyltransferase; plus strand). Cytogenetic location: 9p13.3.
Variant type: single nucleotide variant.
Coding change: c.610C>T on transcript NM_000155.4 (MANE Select); coding-DNA position 610, C replaced by T.
Protein change: p.Arg204Ter; replaces arginine 204 with a stop codon.
Molecular consequence: nonsense.
Genome position (GRCh38, 1-based): chr9:34,648,379, C>T. VCF-style: chr9-34648379-C-T. GRCh37 (hg19) VCF-style: chr9-34648376-C-T.
Other names: c.283C>T, p.Arg95Ter (NM_001258332.2); c.610C>T (NM_000155.2); short protein forms R204*, R95*.
Identifiers: ClinVar variation 25228 (VCV000025228.25), dbSNP rs111033737, ClinGen allele CA259452.